The following is an entry in ClinVar:

ClinVar aggregate classification (germline): Uncertain significance (1 of 4 stars; one submission).

Conditions:
Familial adenomatous polyposis 1 (FAP1). Also called: FAMILIAL ADENOMATOUS POLYPOSIS 1, ATTENUATED; POLYPOSIS, ADENOMATOUS INTESTINAL. Identifiers: MedGen C2713442, MONDO:0021056, OMIM 175100. Disease mechanism: loss of function.

Submission:

Labcorp Genetics (formerly Invitae), Labcorp
Classification: Uncertain significance for Familial adenomatous polyposis 1. Last evaluated: 2022-08-09. Review status: criteria provided, single submitter. Criteria: Invitae Variant Classification Sherloc (09022015). Collection method: clinical testing. Allele origin: germline.
Comment: In summary, the available evidence is currently insufficient to determine the role of this variant in disease. Therefore, it has been classified as a Variant of Uncertain Significance. Algorithms developed to predict the effect of missense changes on protein structure and function are either unavailable or do not agree on the potential impact of this missense change (SIFT: "Deleterious"; PolyPhen-2: "Benign"; Align-GVGD: "Class C15"). ClinVar contains an entry for this variant (Variation ID: 1477078). This variant has not been reported in the literature in individuals affected with APC-related conditions. This variant is not present in population databases (gnomAD no frequency). This sequence change replaces glutamic acid, which is acidic and polar, with alanine, which is neutral and non-polar, at codon 1317 of the APC protein (p.Glu1317Ala).

NM_000038.6(APC):c.3950A>C (p.Glu1317Ala)

Gene: APC (APC regulator of Wnt signaling pathway; plus strand). Cytogenetic location: 5q22.2.
Variant type: single nucleotide variant.
Coding change: c.3950A>C on transcript NM_000038.6 (MANE Select); coding-DNA position 3950, A replaced by C.
Protein change: p.Glu1317Ala; replaces glutamic acid 1317 with alanine.
Molecular consequence: missense variant.
Genome position (GRCh38, 1-based): chr5:112,839,544, A>C. VCF-style: chr5-112839544-A-C. GRCh37 (hg19) VCF-style: chr5-112175241-A-C.
Other names: c.3950A>C, p.Glu1317Ala (NM_001127510.3, NM_001354895.2); c.3896A>C, p.Glu1299Ala (NM_001127511.3); c.4004A>C, p.Glu1335Ala (NM_001354896.2); c.3980A>C, p.Glu1327Ala (NM_001354897.2); c.3875A>C, p.Glu1292Ala (NM_001354898.2); c.3866A>C, p.Glu1289Ala (NM_001354899.2); c.3827A>C, p.Glu1276Ala (NM_001354900.2); c.3773A>C, p.Glu1258Ala (NM_001354901.2); and 5 more; short protein forms E1034A, E1191A, E1216A, E1317A, E1289A, E1276A, E1292A, E1327A.
Identifiers: ClinVar variation 1477078 (VCV001477078.8), dbSNP rs2149902681, ClinGen allele CA16029994.